The following is an entry in ClinVar:

NM_000222.3(KIT):c.1711A>C (p.Ile571Leu)

Gene: KIT (KIT proto-oncogene, receptor tyrosine kinase; plus strand). Cytogenetic location: 4q12.
Variant type: single nucleotide variant.
Coding change: c.1711A>C on transcript NM_000222.3 (MANE Select); coding-DNA position 1711, A replaced by C.
Protein change: p.Ile571Leu; replaces isoleucine 571 with leucine.
Molecular consequence: missense variant.
Genome position (GRCh38, 1-based): chr4:54,727,479, A>C. VCF-style: chr4-54727479-A-C. GRCh37 (hg19) VCF-style: chr4-55593645-A-C.
Other names: c.1699A>C, p.Ile567Leu (NM_001093772.2, NM_001385286.1); c.1714A>C, p.Ile572Leu (NM_001385284.1, NM_001385290.1); c.1711A>C, p.Ile571Leu (NM_001385285.1); c.1702A>C, p.Ile568Leu (NM_001385288.1, NM_001385292.1); short protein forms I571L, I567L, I568L, I572L.
Identifiers: ClinVar variation 4644666 (VCV004644666.1).
Genomic context (GRCh38, chr4:54,727,479, plus strand): 5'-CCCATGTATGAAGTACAGTGGAAGGTTGTTGAGGAGATAAATGGAAACAATTATGTTTAC[A>C]TAGACCCAACACAACTTCCTTATGATCACAAATGGGAGTTTCCCAGAAACAGGCTGAGTT-3'
Protein context (NP_000213.1, residues 561-581): EEINGNNYVY[Ile571Leu]DPTQLPYDHK

ClinVar aggregate classification (germline): Uncertain significance (1 of 4 stars; one submission).

Conditions:
Hereditary cancer-predisposing syndrome. Also called: Neoplastic Syndromes, Hereditary; Tumor predisposition; Hereditary Cancer Syndrome; Hereditary neoplastic syndrome. Identifiers: Orphanet 140162, MedGen C0027672, MeSH D009386, MONDO:0015356.

Submission:

Ambry Genetics
Classification: Uncertain significance for Hereditary cancer-predisposing syndrome. Last evaluated: 2025-10-30. Review status: criteria provided, single submitter. Criteria: Ambry Variant Classification Scheme 2023. Collection method: clinical testing. Allele origin: germline.
Comment: The p.I571L variant (also known as c.1711A>C), located in coding exon 11 of the KIT gene, results from an A to C substitution at nucleotide position 1711. The isoleucine at codon 571 is replaced by leucine, an amino acid with highly similar properties. This amino acid position is highly conserved in available vertebrate species. In addition, this alteration is predicted to be deleterious by in silico analysis. Based on the available evidence, the clinical significance of this variant remains unclear.